The following is an entry in ClinVar:

ClinVar aggregate classification (germline): Pathogenic (1 of 4 stars; one submission).

Conditions:
Primary ciliary dyskinesia 3. Identifiers: Orphanet 244, MedGen C1837618, MONDO:0012085, OMIM 608644.

Submission:

Myriad Genetics, Inc.
Classification: Pathogenic for Primary ciliary dyskinesia 3. Last evaluated: 2024-05-14. Review status: criteria provided, single submitter. Criteria: Myriad Autosomal Dominant, Autosomal Recessive and X-Linked Classification Criteria (2023). Collection method: clinical testing. Allele origin: unknown.
Comment: NM_001369.2(DNAH5):c.4106_4114del9ins8(I1369Sfs*37) is expected to be pathogenic in the context of primary ciliary dyskinesia, DNAH5-related. This variant is predicted to lead to an abnormal or absent protein product due to the creation of a premature termination codon in DNAH5, a gene where loss-of-function variants are known to be pathogenic. Please note: this variant was assessed in the context of healthy population screening.

NM_001369.3(DNAH5):c.4106_4114delinsGCCTCCCA (p.Ile1369fs)

Genes: DNAH5 (dynein axonemal heavy chain 5; minus strand), DNAH5-AS1 (DNAH5 antisense RNA 1; plus strand). Cytogenetic location: 5p15.2.
Variant type: Indel.
Coding change: c.4106_4114delinsGCCTCCCA on transcript NM_001369.3 (MANE Select); coding-DNA positions 4106 to 4114, TCATGTTTC replaced by GCCTCCCA.
Protein change: p.Ile1369fs; shifts the reading frame from isoleucine 1369.
Molecular consequence: frameshift variant.
Genome position (GRCh38, 1-based): chr5:13,866,222-13,866,230, GAAACATGA replaced by TGGGAGGC on the plus strand (TCATGTTTC replaced by GCCTCCCA on the coding strand, the reverse complement: DNAH5 is on the minus strand). VCF-style: chr5-13866222-GAAACATGA-TGGGAGGC. GRCh37 (hg19) VCF-style: chr5-13866331-GAAACATGA-TGGGAGGC.
Other names: short protein forms I1369fs.
Identifiers: ClinVar variation 5010926 (VCV005010926.1).